The following is an entry in ClinVar:

ClinVar aggregate classification (germline): Uncertain significance. Review status: criteria provided, multiple submitters, no conflicts (2 of 4 stars). 2 submissions from 2 submitters: Uncertain significance (2). Last evaluated 2024-01-22.

Conditions:
Idiopathic generalized epilepsy. Also called: EIG; Generalised epilepsy. Identifiers: MedGen C0270850, MONDO:0005579, OMIM 600669.
Hyperaldosteronism, familial, type IV (HALD4). Also called: FH IV; ALDOSTERONISM, PRIMARY, AND HYPERTENSION. Identifiers: Orphanet 642671, MedGen C4310756, MONDO:0014875, OMIM 617027.
Epilepsy, childhood absence, susceptibility to, 6. Identifiers: Orphanet 64280, MedGen C2749872, MONDO:0012763, OMIM 611942.

Allele frequency attached by ClinVar (database versions not stated): TOPMed below 0.00001; gnomAD 0.00001.
gnomAD v4.1: 3 of 1,612,522 alleles (0.00019%); highest among the groups gnomAD compares: Non-Finnish European, 0.00017%; no homozygotes.

Submissions (2):

Fulgent Genetics
Classification: Uncertain significance for Epilepsy, childhood absence, susceptibility to, 6; Hyperaldosteronism, familial, type IV. Last evaluated: 2024-01-22. Review status: criteria provided, single submitter. Criteria: ACMG Guidelines, 2015. Collection method: clinical testing. Allele origin: germline.

Labcorp Genetics (formerly Invitae), Labcorp
Classification: Uncertain significance for Idiopathic generalized epilepsy; Hyperaldosteronism, familial, type IV. Last evaluated: 2020-06-06. Review status: criteria provided, single submitter. Criteria: Invitae Variant Classification Sherloc (09022015). Collection method: clinical testing. Allele origin: germline.
Comment: This sequence change replaces glutamic acid with aspartic acid at codon 826 of the CACNA1H protein (p.Glu826Asp). The glutamic acid residue is highly conserved and there is a small physicochemical difference between glutamic acid and aspartic acid. This variant is not present in population databases (ExAC no frequency). This variant has not been reported in the literature in individuals with CACNA1H-related conditions. Algorithms developed to predict the effect of missense changes on protein structure and function are either unavailable or do not agree on the potential impact of this missense change (SIFT: "Deleterious"; PolyPhen-2: "Benign"; Align-GVGD: "Class C0"). In summary, the available evidence is currently insufficient to determine the role of this variant in disease. Therefore, it has been classified as a Variant of Uncertain Significance.

NM_021098.3(CACNA1H):c.2478G>C (p.Glu826Asp)

Gene: CACNA1H (calcium voltage-gated channel subunit alpha1 H; plus strand). Cytogenetic location: 16p13.3.
Variant type: single nucleotide variant.
Coding change: c.2478G>C on transcript NM_021098.3 (MANE Select); coding-DNA position 2478, G replaced by C.
Protein change: p.Glu826Asp; replaces glutamic acid 826 with aspartic acid.
Molecular consequence: missense variant.
Genome position (GRCh38, 1-based): chr16:1,205,140, G>C. VCF-style: chr16-1205140-G-C. GRCh37 (hg19) VCF-style: chr16-1255140-G-C.
Other names: c.2478G>C, p.Glu826Asp (NM_001005407.2); short protein forms E826D.
Identifiers: ClinVar variation 1019154 (VCV001019154.10), dbSNP rs760796226, ClinGen allele CA394167323.
Genomic context (GRCh38, chr16:1,205,140, plus strand): 5'-CGGCCTCCTGAACTGTCCCCACCTCTGCCTGCAGCCCGAGGAGCTGACTAATGCTCTGGA[G>C]ATCAGCAACATCGTGTTCACCAGCATGTTTGCCCTGGAGATGCTGCTGAAGCTGCTGGCC-3'
Protein context (NP_066921.2, residues 816-836): EQPEELTNAL[Glu826Asp]ISNIVFTSMF